The following is an entry in ClinVar:

NM_000204.5(CFI):c.760del (p.Leu254fs)

Gene: CFI (complement factor I; minus strand). Cytogenetic location: 4q25.
Variant type: Deletion.
Coding change: c.760del on transcript NM_000204.5 (MANE Select); coding-DNA position 760, one base deleted (C; older notation c.760delC).
Protein change: p.Leu254fs; shifts the reading frame from leucine 254.
Molecular consequence: frameshift variant. On other transcripts: non-coding transcript variant (3).
Genome position (GRCh38, 1-based): chr4:109,760,535, G deleted on the plus strand (C on the coding strand, the reverse complement: CFI is on the minus strand). VCF-style (leftmost placement, unchanged base first): chr4-109760534-AG-A. GRCh37 (hg19) VCF-style: chr4-110681690-AG-A.
Other names: c.760del, p.Leu254fs (NM_001318057.2, NM_001331035.2, NM_001375278.1 and 5 more transcripts); c.151del, p.Leu51fs (NM_001375284.1); short protein forms L254fs, L51fs.
Identifiers: ClinVar variation 1408529 (VCV001408529.6), dbSNP rs2126214475, ClinGen allele CA2573137956.
Genomic context (GRCh38, chr4:109,760,534, plus strand): 5'-TAGTCAGAAAAATGAATTTAGAGGATTTAGAGGCTAGATTTATGTCTACCTTTACAACAC[AG>A]TTCATCACTTTGGTCTCCACAATCATTGATACCATCACAGGCTTTCATCTGAGAAATGTA-3'

ClinVar aggregate classification (germline): Pathogenic (1 of 4 stars; one submission).

Submission:

Labcorp Genetics (formerly Invitae), Labcorp
Classification: Pathogenic. Last evaluated: 2021-08-29. Review status: criteria provided, single submitter. Criteria: Invitae Variant Classification Sherloc (09022015). Collection method: clinical testing. Allele origin: germline.
Comment: This sequence change creates a premature translational stop signal (p.Leu254Cysfs*54) in the CFI gene. It is expected to result in an absent or disrupted protein product. Loss-of-function variants in CFI are known to be pathogenic (PMID: 15917334, 16621965, 19065647, 20016463, 22710145). This variant is not present in population databases (ExAC no frequency). This variant has not been reported in the literature in individuals affected with CFI-related conditions. For these reasons, this variant has been classified as Pathogenic.

Literature cited by the submitters: PubMed 15917334; PubMed 16621965; PubMed 19065647; PubMed 20016463; PubMed 22710145.